The following is an entry in ClinVar:

ClinVar aggregate classification (germline): Uncertain significance (1 of 4 stars; one submission).

Allele frequency attached by ClinVar (database versions not stated): gnomAD exomes 0.00001.
gnomAD v4.1: 7 of 1,604,122 alleles (0.00044%); highest among the groups gnomAD compares: Non-Finnish European, 0.0006%; no homozygotes.

Submission:

Labcorp Genetics (formerly Invitae), Labcorp
Classification: Uncertain significance. Last evaluated: 2024-01-09. Review status: criteria provided, single submitter. Criteria: Invitae Variant Classification Sherloc (09022015). Collection method: clinical testing. Allele origin: germline.
Comment: This sequence change replaces glutamic acid, which is acidic and polar, with lysine, which is basic and polar, at codon 323 of the FBXW7 protein (p.Glu323Lys). This variant is not present in population databases (gnomAD no frequency). This variant has not been reported in the literature in individuals affected with FBXW7-related conditions. An algorithm developed to predict the effect of missense changes on protein structure and function (PolyPhen-2) suggests that this variant is likely to be tolerated. In summary, the available evidence is currently insufficient to determine the role of this variant in disease. Therefore, it has been classified as a Variant of Uncertain Significance.

NM_001349798.2(FBXW7):c.967G>A (p.Glu323Lys)

Gene: FBXW7 (F-box and WD repeat domain containing 7; minus strand). Cytogenetic location: 4q31.3.
Variant type: single nucleotide variant.
Coding change: c.967G>A on transcript NM_001349798.2 (MANE Select); coding-DNA position 967, G replaced by A.
Protein change: p.Glu323Lys; replaces glutamic acid 323 with lysine.
Molecular consequence: missense variant.
Genome position (GRCh38, 1-based): chr4:152,332,614, C>T on the plus strand (G>A on the coding strand, the complement: FBXW7 is on the minus strand). VCF-style: chr4-152332614-C-T. GRCh37 (hg19) VCF-style: chr4-153253766-C-T.
Other names: c.613G>A, p.Glu205Lys (NM_001013415.2); c.727G>A, p.Glu243Lys (NM_018315.5); c.967G>A, p.Glu323Lys (NM_033632.3); short protein forms E205K, E323K, E243K.
Identifiers: ClinVar variation 2708415 (VCV002708415.3), dbSNP rs2126547882, ClinGen allele CA358614933.